The following is an entry in ClinVar:

NM_001854.4(COL11A1):c.2944G>A (p.Gly982Arg)

Gene: COL11A1 (collagen type XI alpha 1 chain; minus strand). Cytogenetic location: 1p21.1.
Variant type: single nucleotide variant.
Coding change: c.2944G>A on transcript NM_001854.4 (MANE Select); coding-DNA position 2944, G replaced by A.
Protein change: p.Gly982Arg; replaces glycine 982 with arginine.
Molecular consequence: missense variant. On other transcripts: non-coding transcript variant (1).
Genome position (GRCh38, 1-based): chr1:102,962,733, C>T on the plus strand (G>A on the coding strand, the complement: COL11A1 is on the minus strand). VCF-style: chr1-102962733-C-T. GRCh37 (hg19) VCF-style: chr1-103428289-C-T.
Other names: c.2827G>A, p.Gly943Arg (NM_001190709.2); c.2980G>A, p.Gly994Arg (NM_080629.3); c.2596G>A, p.Gly866Arg (NM_080630.4); c.2944G>A (NM_001854.3); short protein forms G994R, G866R, G943R, G982R.
Identifiers: ClinVar variation 3648278 (VCV003648278.3).

ClinVar aggregate classification (germline): Uncertain significance. Review status: criteria provided, multiple submitters, no conflicts (2 of 4 stars). 2 submissions from 2 submitters: Uncertain significance (2). Last evaluated 2026-02-02.

Submissions (2):

GeneDx
Classification: Uncertain significance. Last evaluated: 2026-02-02. Review status: criteria provided, single submitter. Criteria: GeneDx Variant Classification Process June 2021. Collection method: clinical testing. Allele origin: germline.
Comment: Not observed at significant frequency in large population cohorts (gnomAD); In silico analysis supports that this missense variant has a deleterious effect on protein structure/function; Has not been previously published as pathogenic or benign to our knowledge; This variant is associated with the following publications: (PMID: 25240749)

Labcorp Genetics (formerly Invitae), Labcorp
Classification: Uncertain significance. Last evaluated: 2024-03-31. Review status: criteria provided, single submitter. Criteria: Invitae Variant Classification Sherloc (09022015). Collection method: clinical testing. Allele origin: germline.
Comment: This sequence change replaces glycine, which is neutral and non-polar, with arginine, which is basic and polar, at codon 982 of the COL11A1 protein (p.Gly982Arg). This variant is not present in population databases (gnomAD no frequency). This variant has not been reported in the literature in individuals affected with COL11A1-related conditions. Advanced modeling of protein sequence and biophysical properties (such as structural, functional, and spatial information, amino acid conservation, physicochemical variation, residue mobility, and thermodynamic stability) has been performed at Invitae for this missense variant, however the output from this modeling did not meet the statistical confidence thresholds required to predict the impact of this variant on COL11A1 protein function. In summary, the available evidence is currently insufficient to determine the role of this variant in disease. Therefore, it has been classified as a Variant of Uncertain Significance.